The following is an entry in ClinVar:

NM_003676.4(DEGS1):c.890T>C (p.Leu297Pro)

Gene: DEGS1 (delta 4-desaturase, sphingolipid 1; plus strand). Cytogenetic location: 1q42.11.
Variant type: single nucleotide variant.
Coding change: c.890T>C on transcript NM_003676.4 (MANE Select); coding-DNA position 890, T replaced by C.
Protein change: p.Leu297Pro; replaces leucine 297 with proline.
Molecular consequence: missense variant. On other transcripts: 3 prime UTR variant (1).
Genome position (GRCh38, 1-based): chr1:224,192,396, T>C. VCF-style: chr1-224192396-T-C. GRCh37 (hg19) VCF-style: chr1-224380098-T-C.
Other names: c.*88T>C (NM_001321541.2); c.782T>C, p.Leu261Pro (NM_001321542.2); short protein forms L261P, L297P.
Identifiers: ClinVar variation 1803481 (VCV001803481.1), dbSNP rs748739641, ClinGen allele CA1413717.

ClinVar aggregate classification (germline): Uncertain significance (1 of 4 stars; one submission).

Allele frequency attached by ClinVar (database versions not stated): gnomAD exomes below 0.00001; TOPMed below 0.00001; ExAC 0.00001.

Submission:

GeneDx
Classification: Uncertain significance. Last evaluated: 2022-06-10. Review status: criteria provided, single submitter. Criteria: GeneDx Variant Classification Process June 2021. Collection method: clinical testing. Allele origin: germline. Affected: yes.
Comment: Not observed at significant frequency in large population cohorts (gnomAD); In silico analysis supports that this missense variant has a deleterious effect on protein structure/function; Has not been previously published as pathogenic or benign to our knowledge